The following is an entry in ClinVar:

ClinVar aggregate classification (germline): Benign. Review status: criteria provided, multiple submitters, no conflicts (2 of 4 stars). 2 submissions from 2 submitters: Benign (2). Last evaluated 2018-06-14.

Allele frequency attached by ClinVar (database versions not stated): gnomAD 0.08175 and 0.08657; TOPMed 0.09171; 1000 Genomes Project 0.07728; 1000 Genomes Project 30x 0.08292; gnomAD exomes 0.02967.

Submissions (2):

GeneDx
Classification: Benign. Last evaluated: 2018-06-14. Review status: criteria provided, single submitter. Criteria: GeneDx Variant Classification (06012015). Collection method: clinical testing. Allele origin: germline. Affected: yes.
Comment: This variant is considered likely benign or benign based on one or more of the following criteria: it is a conservative change, it occurs at a poorly conserved position in the protein, it is predicted to be benign by multiple in silico algorithms, and/or has population frequency not consistent with disease.

Breakthrough Genomics
Classification: Benign. Review status: criteria provided, single submitter. Criteria: ACMG Guidelines, 2015. Collection method: not provided. Allele origin: germline. Inheritance: Autosomal recessive inheritance. Affected: yes.

NM_003201.2(TFAM):c.-256T>G

Gene: TFAM (transcription factor A, mitochondrial; plus strand). Cytogenetic location: 10q21.1.
Variant type: single nucleotide variant.
Coding change: c.-256T>G on transcript NM_003201.2; 256 bases upstream of the start codon, T replaced by G.
Genome position (GRCh38, 1-based): chr10:58,385,292, T>G. VCF-style: chr10-58385292-T-G. GRCh37 (hg19) VCF-style: chr10-60145052-T-G.
Identifiers: ClinVar variation 673276 (VCV000673276.4), dbSNP rs16912174, ClinGen allele CA13321411.